The following is an entry in ClinVar:

ClinVar aggregate classification (germline): Likely benign. Review status: criteria provided, multiple submitters, no conflicts (2 of 4 stars). 2 submissions from 2 submitters: Likely benign (2). Last evaluated 2025-12-15.

Conditions:
RELN-related disorder. Also called: RELN-related condition.
Familial temporal lobe epilepsy 7. Identifiers: Orphanet 101046, MedGen C4225327, MONDO:0014639, OMIM 616436.
Norman-Roberts syndrome (LIS2). Also called: Lissencephaly 2 (Norman-Roberts type). Identifiers: Orphanet 89844, MedGen C0796089, MONDO:0009760, OMIM 257320.

gnomAD v4.1: 7 of 1,613,900 alleles (0.00043%); highest among the groups gnomAD compares: African/African-American, 0.0013%; no homozygotes.

Submissions (2):

Labcorp Genetics (formerly Invitae), Labcorp
Classification: Likely benign for Familial temporal lobe epilepsy 7; Norman-Roberts syndrome. Last evaluated: 2025-12-15. Review status: criteria provided, single submitter. Criteria: Invitae Variant Classification Sherloc (09022015). Collection method: clinical testing. Allele origin: germline.

PreventionGenetics, part of Exact Sciences
Classification: Likely benign for RELN-related condition. Last evaluated: 2024-11-26. Review status: criteria provided, single submitter. Criteria: ACMG Guidelines, 2015. Collection method: clinical testing. Allele origin: germline.
Comment: This variant is classified as likely benign based on ACMG/AMP sequence variant interpretation guidelines (Richards et al. 2015 PMID: 25741868, with internal and published modifications).

NM_005045.4(RELN):c.7323C>T (p.Ile2441=)

Gene: RELN (reelin; minus strand). Cytogenetic location: 7q22.1.
Variant type: single nucleotide variant.
Coding change: c.7323C>T on transcript NM_005045.4 (MANE Select); coding-DNA position 7323, C replaced by T.
Protein change: p.Ile2441=; no amino-acid change (isoleucine 2441 retained).
Molecular consequence: synonymous variant.
Genome position (GRCh38, 1-based): chr7:103,535,342, G>A on the plus strand (C>T on the coding strand, the complement: RELN is on the minus strand). VCF-style: chr7-103535342-G-A. GRCh37 (hg19) VCF-style: chr7-103175789-G-A.
Other names: c.7323C>T, p.Ile2441= (NM_173054.3); c.7323C>T (NM_005045.3).
Identifiers: ClinVar variation 4790899 (VCV004790899.2).